The following is an entry in ClinVar:

NM_004247.4(EFTUD2):c.2809A>G (p.Thr937Ala)

Gene: EFTUD2 (elongation factor Tu GTP binding domain containing 2; minus strand). Cytogenetic location: 17q21.31.
Variant type: single nucleotide variant.
Coding change: c.2809A>G on transcript NM_004247.4 (MANE Select); coding-DNA position 2809, A replaced by G.
Protein change: p.Thr937Ala; replaces threonine 937 with alanine.
Molecular consequence: missense variant.
Genome position (GRCh38, 1-based): chr17:44,851,724, T>C on the plus strand (A>G on the coding strand, the complement: EFTUD2 is on the minus strand). VCF-style: chr17-44851724-T-C. GRCh37 (hg19) VCF-style: chr17-42929092-T-C.
Other names: c.2704A>G, p.Thr902Ala (NM_001142605.2); c.2809A>G, p.Thr937Ala (NM_001258353.2); c.2779A>G, p.Thr927Ala (NM_001258354.2); short protein forms T902A, T927A, T937A.
Identifiers: ClinVar variation 2574455 (VCV002574455.1), dbSNP rs199868353, ClinGen allele CA399837788.

ClinVar aggregate classification (germline): Uncertain significance (1 of 4 stars; one submission).

Submission:

GeneDx
Classification: Uncertain significance. Last evaluated: 2023-01-26. Review status: criteria provided, single submitter. Criteria: GeneDx Variant Classification Process June 2021. Collection method: clinical testing. Allele origin: germline. Affected: yes.
Comment: Not observed at significant frequency in large population cohorts (gnomAD); In silico analysis supports that this missense variant has a deleterious effect on protein structure/function; Has not been previously published as pathogenic or benign to our knowledge